The following is an entry in ClinVar:

ClinVar aggregate classification (germline): Uncertain significance. Review status: criteria provided, multiple submitters, no conflicts (2 of 4 stars). 3 submissions from 3 submitters: Uncertain significance (3). Last evaluated 2025-07-02.

Conditions:
BAP1-related tumor predisposition syndrome (TPDS1). Also called: Tumor susceptibility linked to germline BAP1 mutations; BAP1 tumor predisposition syndrome; COMMON Syndrome; TUMOR PREDISPOSITION SYNDROME 1. Identifiers: Orphanet 289539, MedGen C3280492, MONDO:0013692, OMIM 614327.
Hereditary cancer-predisposing syndrome. Also called: Neoplastic Syndromes, Hereditary; Tumor predisposition; Hereditary Cancer Syndrome; Hereditary neoplastic syndrome. Identifiers: Orphanet 140162, MedGen C0027672, MeSH D009386, MONDO:0015356.

Allele frequency attached by ClinVar (database versions not stated): TOPMed below 0.00001.
gnomAD v4.1: 1 of 1,560,782 alleles (0.000064%); highest among the groups gnomAD compares: South Asian, 0.0012%; no homozygotes.

Submissions (3):

Ambry Genetics
Classification: Uncertain significance for Hereditary cancer-predisposing syndrome. Last evaluated: 2025-07-02. Review status: criteria provided, single submitter. Criteria: Ambry Variant Classification Scheme 2023. Collection method: clinical testing. Allele origin: germline.
Comment: The p.R213H variant (also known as c.638G>A), located in coding exon 8 of the BAP1 gene, results from a G to A substitution at nucleotide position 638. The arginine at codon 213 is replaced by histidine, an amino acid with highly similar properties. This amino acid position is highly conserved in available vertebrate species. In addition, this alteration is predicted to be deleterious by in silico analysis. Based on the available evidence, the clinical significance of this variant remains unclear.

Labcorp Genetics (formerly Invitae), Labcorp
Classification: Uncertain significance for BAP1-related tumor predisposition syndrome. Last evaluated: 2024-11-24. Review status: criteria provided, single submitter. Criteria: Invitae Variant Classification Sherloc (09022015). Collection method: clinical testing. Allele origin: germline.
Comment: This sequence change replaces arginine, which is basic and polar, with histidine, which is basic and polar, at codon 213 of the BAP1 protein (p.Arg213His). This variant is not present in population databases (gnomAD no frequency). This variant has not been reported in the literature in individuals affected with BAP1-related conditions. ClinVar contains an entry for this variant (Variation ID: 485278). Invitae Evidence Modeling of protein sequence and biophysical properties (such as structural, functional, and spatial information, amino acid conservation, physicochemical variation, residue mobility, and thermodynamic stability) indicates that this missense variant is expected to disrupt BAP1 protein function with a positive predictive value of 80%. In summary, the available evidence is currently insufficient to determine the role of this variant in disease. Therefore, it has been classified as a Variant of Uncertain Significance.

Color Diagnostics, LLC DBA Color Health
Classification: Uncertain significance for Hereditary cancer-predisposing syndrome. Last evaluated: 2021-01-20. Review status: criteria provided, single submitter. Criteria: ACMG Guidelines, 2015. Collection method: clinical testing. Allele origin: germline.
Comment: This missense variant replaces arginine with histidine at codon 213 of the BAP1 protein. Computational prediction is inconclusive regarding the impact of this variant on protein structure and function (internally defined REVEL score threshold 0.5 < inconclusive < 0.7, PMID: 27666373). To our knowledge, functional studies have not been reported for this variant. This variant has not been reported in individuals affected with hereditary cancer in the literature. This variant has not been identified in the general population by the Genome Aggregation Database (gnomAD). The available evidence is insufficient to determine the role of this variant in disease conclusively. Therefore, this variant is classified as a Variant of Uncertain Significance.

NM_004656.4(BAP1):c.638G>A (p.Arg213His)

Gene: BAP1 (BRCA1 associated deubiquitinase 1; minus strand). Cytogenetic location: 3p21.1.
Variant type: single nucleotide variant.
Coding change: c.638G>A on transcript NM_004656.4 (MANE Select); coding-DNA position 638, G replaced by A.
Protein change: p.Arg213His; replaces arginine 213 with histidine.
Molecular consequence: missense variant.
Genome position (GRCh38, 1-based): chr3:52,406,850, C>T on the plus strand (G>A on the coding strand, the complement: BAP1 is on the minus strand). VCF-style: chr3-52406850-C-T. GRCh37 (hg19) VCF-style: chr3-52440866-C-T.
Other names: c.638G>A (LRG_529t1); short protein forms R213H.
Identifiers: ClinVar variation 485278 (VCV000485278.14), dbSNP rs1220529268, ClinGen allele CA353108854.